The following is an entry in ClinVar:

NM_000128.4(F11):c.1517del (p.Asp506fs)

Genes: F11 (coagulation factor XI; plus strand), F11-AS1 (F11 antisense RNA 1; minus strand). Cytogenetic location: 4q35.2.
Variant type: Deletion.
Coding change: c.1517del on transcript NM_000128.4 (MANE Select); coding-DNA position 1517, one base deleted (A; older notation c.1517delA).
Protein change: p.Asp506fs; shifts the reading frame from aspartic acid 506.
Molecular consequence: frameshift variant. On other transcripts: intron variant (4).
Genome position (GRCh38, 1-based): chr4:186,286,451, A deleted. VCF-style (leftmost placement, unchanged base first): chr4-186286450-GA-G. GRCh37 (hg19) VCF-style: chr4-187207604-GA-G.
Other names: c.1469del, p.Asp490fs (NM_001440590.1); c.1247del, p.Asp416fs (NM_001440605.1); c.1199del, p.Asp400fs (NM_001440606.1); c.1480+638del (NM_001440593.1); c.1432+638del (NM_001440596.1); c.1210+638del (NM_001440607.1); c.1162+638del (NM_001440608.1); short protein forms D400fs, D416fs, D490fs, D506fs.
Identifiers: ClinVar variation 5012957 (VCV005012957.1).

ClinVar aggregate classification (germline): Pathogenic (1 of 4 stars; one submission).

Conditions:
Hereditary factor XI deficiency disease. Also called: PLASMA THROMBOPLASTIN ANTECEDENT DEFICIENCY; PTA DEFICIENCY; ROSENTHAL SYNDROME; Congenital factor XI deficiency. Identifiers: Orphanet 329, MedGen C0015523, MeSH D005173, MONDO:0012897, OMIM 612416.

Submission:

Myriad Genetics, Inc.
Classification: Pathogenic for Hereditary factor XI deficiency disease. Last evaluated: 2024-04-24. Review status: criteria provided, single submitter. Criteria: Myriad Autosomal Dominant, Autosomal Recessive and X-Linked Classification Criteria (2023). Collection method: clinical testing. Allele origin: unknown.
Comment: NM_000128.3(F11):c.1517delA(D506Vfs*4) is expected to be pathogenic in the context of factor XI deficiency. This variant is predicted to lead to an abnormal or absent protein product due to the creation of a premature termination codon in F11, a gene where loss-of-function variants are known to be pathogenic. Please note: this variant was assessed in the context of healthy population screening.